The following is an entry in ClinVar:

ClinVar aggregate classification (germline): Benign/Likely benign. Review status: criteria provided, multiple submitters, no conflicts (2 of 4 stars). 3 submissions from 2 submitters: Benign (2); Likely benign (1). Last evaluated 2021-02-04.

Conditions:
Charcot-Marie-Tooth disease, type I (CMT1). Also called: Charcot-Marie-Tooth, Type 1; Charcot-Marie-Tooth disease type 1. Identifiers: Orphanet 65753, MedGen C0751036, MONDO:0019011.
Hereditary liability to pressure palsies (HNPP). Also called: POLYNEUROPATHY, FAMILIAL RECURRENT; TOMACULOUS NEUROPATHY; Hereditary Neuropathy with Liability to Pressure Palsies. Identifiers: Orphanet 640, MedGen C0393814, MONDO:0008087, OMIM 162500.

Allele frequency attached by ClinVar (database versions not stated): gnomAD 0.00784 and 0.00832; TOPMed 0.00843; 1000 Genomes Project 30x 0.01156; 1000 Genomes Project 0.01178.

Submissions (3):

GeneDx
Classification: Likely benign. Last evaluated: 2021-02-04. Review status: criteria provided, single submitter. Criteria: GeneDx Variant Classification Process June 2021. Collection method: clinical testing. Allele origin: germline. Affected: yes.

Illumina Laboratory Services, Illumina
Classification: Benign for Charcot-Marie-Tooth disease, type I. Last evaluated: 2018-01-13. Review status: criteria provided, single submitter. Criteria: ICSL Variant Classification Criteria 13 December 2019. Collection method: clinical testing. Allele origin: germline.
Comment: This variant was observed in the ICSL laboratory as part of a predisposition screen in an ostensibly healthy population. It had not been previously curated by ICSL or reported in the Human Gene Mutation Database (HGMD: prior to June 1st, 2018), and was therefore a candidate for classification through an automated scoring system. Utilizing variant allele frequency, disease prevalence and penetrance estimates, and inheritance mode, an automated score was calculated to assess if this variant is too frequent to cause the disease. Based on the score and internal cut-off values, a variant classified as benign is not then subjected to further curation. The score for this variant resulted in a classification of benign for this disease.

Illumina Laboratory Services, Illumina
Classification: Benign for Hereditary liability to pressure palsies. Last evaluated: 2018-01-13. Review status: criteria provided, single submitter. Criteria: ICSL Variant Classification Criteria 13 December 2019. Collection method: clinical testing. Allele origin: germline.
Comment: the same text as in the submission from Illumina Laboratory Services, Illumina above.

NM_000304.4(PMP22):c.-86A>C

Gene: PMP22 (peripheral myelin protein 22; minus strand). Cytogenetic location: 17p12.
Variant type: single nucleotide variant.
Coding change: c.-86A>C on transcript NM_000304.4 (MANE Select); 86 bases upstream of the start codon, A replaced by C.
Molecular consequence: 5 prime UTR variant. On other transcripts: non-coding transcript variant (2).
Genome position (GRCh38, 1-based): chr17:15,265,205, T>G on the plus strand (A>C on the coding strand, the complement: PMP22 is on the minus strand). VCF-style: chr17-15265205-T-G. GRCh37 (hg19) VCF-style: chr17-15168522-T-G.
Other names: c.-82A>C (NM_001281456.2); c.-86A>C (NM_001330143.2).
Identifiers: ClinVar variation 891196 (VCV000891196.6), dbSNP rs140650630, ClinGen allele CA288112824.